The following is an entry in ClinVar:

NM_000053.4(ATP7B):c.4279C>T (p.Gln1427Ter)

Gene: ATP7B (ATPase copper transporting beta; minus strand). Cytogenetic location: 13q14.3.
Variant type: single nucleotide variant.
Coding change: c.4279C>T on transcript NM_000053.4 (MANE Select); coding-DNA position 4279, C replaced by T.
Protein change: p.Gln1427Ter; replaces glutamine 1427 with a stop codon.
Molecular consequence: nonsense.
Genome position (GRCh38, 1-based): chr13:51,934,875, G>A on the plus strand (C>T on the coding strand, the complement: ATP7B is on the minus strand). VCF-style: chr13-51934875-G-A. GRCh37 (hg19) VCF-style: chr13-52509011-G-A.
Other names: c.4045C>T, p.Gln1349Ter (NM_001406528.1, NM_001330578.2, NM_001406527.1); c.4039C>T, p.Gln1347Ter (NM_001406530.1); c.3901C>T, p.Gln1301Ter (NM_001406538.1); c.3850C>T, p.Gln1284Ter (NM_001406539.1); c.3832C>T, p.Gln1278Ter (NM_001406540.1); c.3949C>T, p.Gln1317Ter (NM_001406535.1, NM_001406536.1); c.3940C>T, p.Gln1314Ter (NM_001406537.1); c.4027C>T, p.Gln1343Ter (NM_001406531.1, NM_001406532.1, NM_001330579.2); and 22 more; short protein forms Q1146*, Q1200*, Q1211*, Q1220*, Q1233*, Q1263*, Q1265*, Q1278*.
Identifiers: ClinVar variation 3765550 (VCV003765550.4).

ClinVar aggregate classification (germline): Likely pathogenic. Review status: criteria provided, multiple submitters, no conflicts (2 of 4 stars). 2 submissions from 2 submitters: Likely pathogenic (2). Last evaluated 2025-02-03.

Conditions:
Wilson disease (WND). Also called: Wilson's disease. Identifiers: Orphanet 905, MedGen C0019202, MONDO:0010200, OMIM 277900. Disease mechanism: loss of function.

gnomAD v4.1: 1 of 1,614,202 alleles (0.000062%); highest among the groups gnomAD compares: Non-Finnish European, 0.000085%; no homozygotes.

Submissions (2):

Natera, Inc.
Classification: Likely pathogenic for Wilson disease. Last evaluated: 2025-02-03. Review status: criteria provided, single submitter. Criteria: Natera Variant Classification Schema (03/2026). Collection method: clinical testing. Allele origin: germline.
Comment: The c.4279C>T variant in ATP7B is a nonsense variant predicted to introduce a stop codon at amino acid 1427. This variant is expected to result in nonsense mediated decay, truncation, or a dysfunctional protein product. This variant is rare in the general population with a frequency below the threshold expected for the associated phenotype(s). Given the available evidence, this variant is classified as Likely Pathogenic.

Genetics and Genomic Medicine Centre, NeuroGen Healthcare, NeuroGen Healthcare
Classification: Likely pathogenic for Wilson disease. Last evaluated: 2021-10-16. Review status: criteria provided, single submitter. Criteria: Submitter's publication. Collection method: clinical testing. Allele origin: unknown. Affected: no.